The following is an entry in ClinVar:

ClinVar aggregate classification (germline): Uncertain significance. Review status: criteria provided, multiple submitters, no conflicts (2 of 4 stars). 2 submissions from 2 submitters: Uncertain significance (2). Last evaluated 2024-12-02.

Conditions:
Cardiovascular phenotype. Identifiers: MedGen CN230736.
Hypercholesterolemia, autosomal dominant, type B (FHCL2). Also called: Familial Hypercholesterolemia Type B; APOLIPOPROTEIN B-100, FAMILIAL DEFECTIVE; APOLIPOPROTEIN B-100, FAMILIAL LIGAND-DEFECTIVE; HYPERCHOLESTEROLEMIA, FAMILIAL, DUE TO LIGAND-DEFECTIVE APOLIPOPROTEIN B; Familial hypercholesterolemia 2; APOB-Related Familial Hypercholesterolemia, Autosomal Dominant. Identifiers: MedGen C1704417, MONDO:0007751, OMIM 144010.
Familial hypobetalipoproteinemia 1. Also called: APOB-Related Familial Hypobetalipoproteinemia; Hypobetalipoproteinemia, normotriglyceridemic; Acanthocytosis with hypobetalipoproteinemia. Identifiers: MedGen C4551990, MONDO:0014252, OMIM 615558.

gnomAD v4.1: 3 of 1,614,122 alleles (0.00019%); highest among the groups gnomAD compares: Non-Finnish European, 0.00025%; no homozygotes.

Submissions (2):

Labcorp Genetics (formerly Invitae), Labcorp
Classification: Uncertain significance for Familial hypobetalipoproteinemia 1; Hypercholesterolemia, autosomal dominant, type B. Last evaluated: 2024-12-02. Review status: criteria provided, single submitter. Criteria: Invitae Variant Classification Sherloc (09022015). Collection method: clinical testing. Allele origin: germline.
Comment: This sequence change replaces alanine, which is neutral and non-polar, with serine, which is neutral and polar, at codon 1975 of the APOB protein (p.Ala1975Ser). This variant is present in population databases (no rsID available, gnomAD 0.0009%). This variant has not been reported in the literature in individuals affected with APOB-related conditions. ClinVar contains an entry for this variant (Variation ID: 3231432). Invitae Evidence Modeling of protein sequence and biophysical properties (such as structural, functional, and spatial information, amino acid conservation, physicochemical variation, residue mobility, and thermodynamic stability) indicates that this missense variant is not expected to disrupt APOB protein function with a negative predictive value of 95%. In summary, the available evidence is currently insufficient to determine the role of this variant in disease. Therefore, it has been classified as a Variant of Uncertain Significance.

Ambry Genetics
Classification: Uncertain significance for Cardiovascular phenotype. Last evaluated: 2023-12-08. Review status: criteria provided, single submitter. Criteria: Ambry Variant Classification Scheme 2023. Collection method: clinical testing. Allele origin: germline.
Comment: The p.A1975S variant (also known as c.5923G>T), located in coding exon 26 of the APOB gene, results from a G to T substitution at nucleotide position 5923. The alanine at codon 1975 is replaced by serine, an amino acid with similar properties. This amino acid position is conserved. In addition, this alteration is predicted to be tolerated by in silico analysis. Since supporting evidence is limited at this time, the clinical significance of this alteration remains unclear.

NM_000384.3(APOB):c.5923G>T (p.Ala1975Ser)

Gene: APOB (apolipoprotein B; minus strand). Cytogenetic location: 2p24.1.
Variant type: single nucleotide variant.
Coding change: c.5923G>T on transcript NM_000384.3 (MANE Select); coding-DNA position 5923, G replaced by T.
Protein change: p.Ala1975Ser; replaces alanine 1975 with serine.
Molecular consequence: missense variant.
Genome position (GRCh38, 1-based): chr2:21,010,945, C>A on the plus strand (G>T on the coding strand, the complement: APOB is on the minus strand). VCF-style: chr2-21010945-C-A. GRCh37 (hg19) VCF-style: chr2-21233817-C-A.
Other names: short protein forms A1975S.
Identifiers: ClinVar variation 3231432 (VCV003231432.2), dbSNP rs962782390, ClinGen allele CA43506084.